The following is an entry in ClinVar:

NM_000390.4(CHM):c.1160del (p.Phe387fs)

Gene: CHM (CHM Rab escort protein; minus strand). Cytogenetic location: Xq21.2.
Variant type: Deletion.
Coding change: c.1160del on transcript NM_000390.4 (MANE Select); coding-DNA position 1160, one base deleted (T; older notation c.1160delT).
Protein change: p.Phe387fs; shifts the reading frame from phenylalanine 387.
Molecular consequence: frameshift variant.
Genome position (GRCh38, 1-based): chrX:85,956,159, A deleted on the plus strand (T on the coding strand, the reverse complement: CHM is on the minus strand); the first of 3 consecutive A bases (chrX:85,956,159-85,956,161); deleting any one gives the same sequence. VCF-style (leftmost placement, unchanged base first): chrX-85956158-GA-G. GRCh37 (hg19) VCF-style: chrX-85211163-GA-G.
Other names: c.716del, p.Phe239fs (NM_001320959.1, NM_001362517.1, NM_001362518.2 and 1 more transcripts); short protein forms F239fs, F387fs.
Identifiers: ClinVar variation 2811977 (VCV002811977.3), dbSNP rs2520251987, ClinGen allele CA2739273627.

ClinVar aggregate classification (germline): Pathogenic (1 of 4 stars; one submission).

Submission:

Labcorp Genetics (formerly Invitae), Labcorp
Classification: Pathogenic. Last evaluated: 2023-03-01. Review status: criteria provided, single submitter. Criteria: Invitae Variant Classification Sherloc (09022015). Collection method: clinical testing. Allele origin: germline.
Comment: This variant has not been reported in the literature in individuals affected with CHM-related conditions. For these reasons, this variant has been classified as Pathogenic. This variant is not present in population databases (gnomAD no frequency). This sequence change creates a premature translational stop signal (p.Phe387Serfs*22) in the CHM gene. It is expected to result in an absent or disrupted protein product. Loss-of-function variants in CHM are known to be pathogenic (PMID: 9067750, 23811034).

Literature cited by the submitters: PubMed 9067750; PubMed 23811034.